The following is an entry in ClinVar:

NM_000517.6(HBA2):c.289del (p.Val97fs)

Genes: HBA2 (hemoglobin subunit alpha 2; plus strand), LOC106804612 (hemoglobin subunit alpha 2 recombination region; plus strand). Cytogenetic location: 16p13.3.
Variant type: Deletion.
Coding change: c.289del on transcript NM_000517.6 (MANE Select); coding-DNA position 289, one base deleted (G; older notation c.289delG).
Protein change: p.Val97fs; shifts the reading frame from valine 97.
Molecular consequence: frameshift variant.
Genome position (GRCh38, 1-based): chr16:173,318, G deleted; the last of 2 consecutive G bases (chr16:173,317-173,318); deleting either gives the same sequence. VCF-style (leftmost placement, unchanged base first): chr16-173316-CG-C. GRCh37 (hg19) VCF-style: chr16-223315-CG-C.
Other names: short protein forms V97fs.
Identifiers: ClinVar variation 4818656 (VCV004818656.1).
Genomic context (GRCh38, chr16:173,316, plus strand): 5'-ACATGCCCAACGCGCTGTCCGCCCTGAGCGACCTGCACGCGCACAAGCTTCGGGTGGACC[CG>C]GTCAACTTCAAGGTGAGCGGCGGGCCGGGAGCGATCTGGGTCGAGGGGCGAGATGGCGCC-3'

ClinVar aggregate classification (germline): Likely pathogenic (1 of 4 stars; one submission).

Conditions:
alpha Thalassemia. Also called: Alpha thalassemia spectrum. Identifiers: Orphanet 846, MedGen C0002312, MONDO:0011399, OMIM 604131.

Submission:

Natera, Inc.
Classification: Likely pathogenic for Alpha thalassemia. Last evaluated: 2024-11-04. Review status: criteria provided, single submitter. Criteria: Natera Variant Classification Schema (03/2026). Collection method: clinical testing. Allele origin: germline.
Comment: The c.289delG variant in HBA2 is a frameshift variant predicted to shift the reading frame beginning at codon 97 and leads to a stop codon 6 codons downstream. This variant is expected to result in nonsense mediated decay, truncation, or a dysfunctional protein product. This variant is rare in the general population with a frequency below the threshold expected for the associated phenotype(s). Given the available evidence, this variant is classified as Likely Pathogenic.